The following is an entry in ClinVar:

ClinVar aggregate classification (germline): Uncertain significance. Review status: criteria provided, multiple submitters, no conflicts (2 of 4 stars). 6 submissions from 4 submitters: Uncertain significance (6). Last evaluated 2025-04-13.

Conditions:
Cardiovascular phenotype. Identifiers: MedGen CN230736.
Atrial septal defect 3 (ASD3). Identifiers: Orphanet 1478, MedGen C3279790, MONDO:0013567, OMIM 614089.
Dilated cardiomyopathy 1EE (CMD1EE). Identifiers: Orphanet 154, MedGen C2750466, MONDO:0013198, OMIM 613252.
Hypertrophic cardiomyopathy 14. Identifiers: MedGen C2750467, MONDO:0013197, OMIM 613251.
MYH6-related cardiac defects.

Allele frequency attached by ClinVar (database versions not stated): gnomAD exomes below 0.00001 and 0.00002; ExAC 0.00002; gnomAD 0.00003; TOPMed 0.00005; ESP Exome Variant Server 0.00008.
gnomAD v4.1: 7 of 1,612,986 alleles (0.00043%); highest among the groups gnomAD compares: African/African-American, 0.0067%; no homozygotes.

Submissions (6):

Ambry Genetics
Classification: Uncertain significance for Cardiovascular phenotype. Last evaluated: 2025-04-13. Review status: criteria provided, single submitter. Criteria: Ambry Variant Classification Scheme 2023. Collection method: clinical testing. Allele origin: germline.
Comment: The p.M363T variant (also known as c.1088T>C), located in coding exon 10 of the MYH6 gene, results from a T to C substitution at nucleotide position 1088. The methionine at codon 363 is replaced by threonine, an amino acid with similar properties. This variant was reported in individual(s) with features consistent with congenital heart disease (Zhang Y. et al Mol Genet Genomic Med. 2022 Oct;10(10):e2041). This amino acid position is highly conserved in available vertebrate species. In addition, the in silico prediction for this alteration is inconclusive. Since supporting evidence is limited at this time, the clinical significance of this alteration remains unclear.

Baylor Genetics
Classification: Uncertain significance for Atrial septal defect 3. Last evaluated: 2022-12-23. Review status: criteria provided, single submitter. Criteria: ACMG Guidelines, 2015. Collection method: clinical testing. Allele origin: unknown.

Baylor Genetics
Classification: Uncertain significance for Dilated cardiomyopathy 1EE. Last evaluated: 2022-12-23. Review status: criteria provided, single submitter. Criteria: ACMG Guidelines, 2015. Collection method: clinical testing. Allele origin: unknown.

Baylor Genetics
Classification: Uncertain significance for MYH6-related cardiac defects. Last evaluated: 2022-12-23. Review status: criteria provided, single submitter. Criteria: ACMG Guidelines, 2015. Collection method: clinical testing. Allele origin: unknown.

GeneDx
Classification: Uncertain significance. Last evaluated: 2022-11-18. Review status: criteria provided, single submitter. Criteria: GeneDx Variant Classification Process June 2021. Collection method: clinical testing. Allele origin: germline. Affected: yes.
Comment: Has not been previously published as pathogenic or benign to our knowledge; Not observed at significant frequency in large population cohorts (gnomAD); In silico analysis supports that this missense variant has a deleterious effect on protein structure/function

Labcorp Genetics (formerly Invitae), Labcorp
Classification: Uncertain significance for Hypertrophic cardiomyopathy 14. Last evaluated: 2022-05-15. Review status: criteria provided, single submitter. Criteria: Invitae Variant Classification Sherloc (09022015). Collection method: clinical testing. Allele origin: germline.
Comment: This sequence change replaces methionine, which is neutral and non-polar, with threonine, which is neutral and polar, at codon 363 of the MYH6 protein (p.Met363Thr). This variant is present in population databases (rs150272218, gnomAD 0.02%). This variant has not been reported in the literature in individuals affected with MYH6-related conditions. ClinVar contains an entry for this variant (Variation ID: 1024279). Algorithms developed to predict the effect of missense changes on protein structure and function are either unavailable or do not agree on the potential impact of this missense change (SIFT: "Deleterious"; PolyPhen-2: "Benign"; Align-GVGD: "Class C0"). In summary, the available evidence is currently insufficient to determine the role of this variant in disease. Therefore, it has been classified as a Variant of Uncertain Significance.

Literature cited by the submitters: PubMed 35993536 (cited by Ambry Genetics).

NM_002471.4(MYH6):c.1088T>C (p.Met363Thr)

Gene: MYH6 (myosin heavy chain 6; minus strand). Cytogenetic location: 14q11.2.
Variant type: single nucleotide variant.
Coding change: c.1088T>C on transcript NM_002471.4 (MANE Select); coding-DNA position 1088, T replaced by C.
Protein change: p.Met363Thr; replaces methionine 363 with threonine.
Molecular consequence: missense variant.
Genome position (GRCh38, 1-based): chr14:23,402,517, A>G on the plus strand (T>C on the coding strand, the complement: MYH6 is on the minus strand). VCF-style: chr14-23402517-A-G. GRCh37 (hg19) VCF-style: chr14-23871726-A-G.
Other names: short protein forms M363T.
Identifiers: ClinVar variation 1024279 (VCV001024279.14), dbSNP rs150272218, ClinGen allele CA7115904.
Genomic context (GRCh38, chr14:23,402,517, plus strand): 5'-CTCCCACCTTCGGTGCCGTCTGGCTCCGCCTGCTCCTCCCGCTGCTTCTGCTTGAACTTC[A>G]TGTTCCCGTAGTGCATGATGGCTCCCGTCAGCTTGTAGACGCCAGCTTTCTCCTCTGAAG-3'
Protein context (NP_002462.2, residues 353-373): LTGAIMHYGN[Met363Thr]KFKQKQREEQ